The following is an entry in ClinVar:

ClinVar aggregate classification (germline): Pathogenic. Review status: criteria provided, multiple submitters, no conflicts (2 of 4 stars). 3 submissions from 3 submitters: Pathogenic (3). Last evaluated 2024-04-16.

Conditions:
Autosomal recessive distal renal tubular acidosis. Identifiers: Orphanet 402041, MedGen C1864498, MONDO:0018440.
Renal tubular acidosis, distal, 3, with or without sensorineural hearing loss (DRTA3). Identifiers: MedGen C5399980, MONDO:0011268, OMIM 602722.

Allele frequency attached by ClinVar (database versions not stated): ESP Exome Variant Server 0.00008; gnomAD 0.00001; TOPMed 0.00002.
gnomAD v4.1: 39 of 1,613,342 alleles (0.0024%); highest among the groups gnomAD compares: African/African-American, 0.004%; no homozygotes.

Submissions (3):

Fulgent Genetics
Classification: Pathogenic for Renal tubular acidosis, distal, 3, with or without sensorineural hearing loss. Last evaluated: 2024-04-16. Review status: criteria provided, single submitter. Criteria: ACMG Guidelines, 2015. Collection method: clinical testing. Allele origin: germline.

3billion
Classification: Pathogenic for Renal tubular acidosis, distal, 3, with or without sensorineural hearing loss. Last evaluated: 2023-08-18. Review status: criteria provided, single submitter. Criteria: ACMG Guidelines, 2015. Collection method: clinical testing. Allele origin: germline. Affected: yes.
Comment: The variant is observed at an extremely low frequency in the gnomAD v2.1.1 dataset (total allele frequency: 0.002%). Predicted Consequence/Location: Canonical splice site: predicted to alter splicing and result in a loss or disruption of normal protein function. Multiple pathogenic loss-of-function variants are reported downstream of the variant. The variant has been reported at least twice as pathogenic without evidence for the classification (ClinVar ID: VCV001328935 /PMID: 22093743). Therefore, this variant is classified as Pathogenic according to the recommendation of ACMG/AMP guideline.

Pars Genome Lab
Classification: Pathogenic for Renal tubular acidosis, distal, 3, with or without sensorineural hearing loss. Last evaluated: 2021-12-08. Review status: criteria provided, single submitter. Criteria: ACMG Guidelines, 2015. Collection method: clinical testing. Allele origin: germline. Inheritance: Autosomal recessive inheritance. Affected: yes. Observed: 1 homozygote.

Literature cited by the submitters: PubMed 22093743 (cited by 3billion).

NM_020632.3(ATP6V0A4):c.2257+1G>A

Gene: ATP6V0A4 (ATPase H+ transporting V0 subunit a4; minus strand). Cytogenetic location: 7q34.
Variant type: single nucleotide variant.
Coding change: c.2257+1G>A on transcript NM_020632.3 (MANE Select); the canonical splice donor site of the intron after coding-DNA position 2257, G replaced by A.
Molecular consequence: splice donor variant.
Genome position (GRCh38, 1-based): chr7:138,715,763, C>T on the plus strand (G>A on the coding strand, the complement: ATP6V0A4 is on the minus strand). VCF-style: chr7-138715763-C-T. GRCh37 (hg19) VCF-style: chr7-138400508-C-T.
Other names: c.2257+1G>A (NM_130840.3, NM_130841.3).
Identifiers: ClinVar variation 1328935 (VCV001328935.4), dbSNP rs145809731, ClinGen allele CA4504493.